The following is an entry in ClinVar:

NM_000334.4(SCN4A):c.2320G>A (p.Gly774Ser)

Genes: GH-LCR (growth hormone locus control region; plus strand), SCN4A (sodium voltage-gated channel alpha subunit 4; minus strand). Cytogenetic location: 17q23.3.
Variant type: single nucleotide variant.
Coding change: c.2320G>A on transcript NM_000334.4 (MANE Select); coding-DNA position 2320, G replaced by A.
Protein change: p.Gly774Ser; replaces glycine 774 with serine.
Molecular consequence: missense variant.
Genome position (GRCh38, 1-based): chr17:63,957,218, C>T on the plus strand (G>A on the coding strand, the complement: SCN4A is on the minus strand). VCF-style: chr17-63957218-C-T. GRCh37 (hg19) VCF-style: chr17-62034578-C-T.
Other names: short protein forms G774S.
Identifiers: ClinVar variation 1411447 (VCV001411447.11), dbSNP rs761212631, ClinGen allele CA8709615.

ClinVar aggregate classification (germline): Uncertain significance. Review status: criteria provided, multiple submitters, no conflicts (2 of 4 stars). 4 submissions from 4 submitters: Uncertain significance (4). Last evaluated 2025-10-12.

Conditions:
Hyperkalemic periodic paralysis. Also called: Familial hyperkalemic periodic paralysis; Gamstorp disease. Identifiers: Orphanet 682, MedGen C0238357, MONDO:0008224, OMIM 170500, HP:0007215.
Inborn genetic diseases. Identifiers: MedGen C0950123, MeSH D030342.

Allele frequency attached by ClinVar (database versions not stated): gnomAD 0.00001; gnomAD exomes 0.00002 and 0.00003; TOPMed 0.00002; ExAC 0.00003.
gnomAD v4.1: 49 of 1,600,194 alleles (0.0031%); highest among the groups gnomAD compares: Non-Finnish European, 0.0034%; no homozygotes.

Submissions (4):

Labcorp Genetics (formerly Invitae), Labcorp
Classification: Uncertain significance for Hyperkalemic periodic paralysis. Last evaluated: 2025-10-12. Review status: criteria provided, single submitter. Criteria: Invitae Variant Classification Sherloc (09022015). Collection method: clinical testing. Allele origin: germline.
Comment: This sequence change replaces glycine, which is neutral and non-polar, with serine, which is neutral and polar, at codon 774 of the SCN4A protein (p.Gly774Ser). This variant is present in population databases (rs761212631, gnomAD 0.005%). This variant has not been reported in the literature in individuals affected with SCN4A-related conditions. ClinVar contains an entry for this variant (Variation ID: 1411447). Invitae Evidence Modeling of protein sequence and biophysical properties (such as structural, functional, and spatial information, amino acid conservation, physicochemical variation, residue mobility, and thermodynamic stability) has been performed for this missense variant. However, the output from this modeling did not meet the statistical confidence thresholds required to predict the impact of this variant on SCN4A protein function. In summary, the available evidence is currently insufficient to determine the role of this variant in disease. Therefore, it has been classified as a Variant of Uncertain Significance.

Genomic Medicine Center of Excellence, King Faisal Specialist Hospital and Research Centre
Classification: Uncertain significance for Hyperkalemic periodic paralysis. Last evaluated: 2025-09-10. Review status: criteria provided, single submitter. Criteria: ACMG Guidelines, 2015. Collection method: clinical testing. Allele origin: germline.

Ambry Genetics
Classification: Uncertain significance for Inborn genetic diseases. Last evaluated: 2021-10-20. Review status: criteria provided, single submitter. Criteria: Ambry Variant Classification Scheme 2023. Collection method: clinical testing. Allele origin: germline.

Revvity Omics, Revvity
Classification: Uncertain significance. Last evaluated: 2019-03-29. Review status: criteria provided, single submitter. Criteria: ACMG Guidelines, 2015. Collection method: clinical testing. Allele origin: germline.